The following is an entry in ClinVar:

ClinVar aggregate classification (germline): Uncertain significance (0 of 4 stars; one submission).

Conditions:
Radio-Tartaglia syndrome. Identifiers: Orphanet 662234, MedGen C5543339, MONDO:0859143, OMIM 619312.

Submission:

Leeds Institute of Medical Research, University of Leeds
Classification: Uncertain significance for Radio-Tartaglia syndrome. Last evaluated: 2025-01-13. Review status: no assertion criteria provided. Collection method: research. Allele origin: germline. Affected: yes. Observed: 2 variant alleles.
Comment: This homozygous NM_015001.3 c.351_356del in frame deletion in SPEN removes 2 Proline residues from the protein (p.Pro119_Pro120del). The phenotype is consistent with patients with Radio-Tartaglia syndrome (MIM 619312), although this is an autosomal dominant condition we found this variant to segregates in a consanguinsous family with multiple affected individuals in an autosomal recessive inheritance pattern. Heterozygous carriers did not show a phenotype. The variant is rare in gnomAD (S.Asian maf is 0.0001208 in v4.0) and has a CADD (v1.7) score of 22. No other likely pathogenic variants were present on whole exome analysis. The variant meets ACMG criteria PP3, PS3 and PM2 and as such is classified as a variant of unknown significance.

NM_015001.3(SPEN):c.351_356del (p.Pro119_Pro120del)

Gene: SPEN (spen family transcriptional repressor; plus strand). Cytogenetic location: 1p36.21.
Variant type: Deletion.
Coding change: c.351_356del on transcript NM_015001.3 (MANE Select); coding-DNA positions 351 to 356, 6 bases deleted (TCCCCC; older notation c.351_356delTCCCCC).
Protein change: p.Pro119_Pro120del.
Molecular consequence: inframe deletion.
Genome position (GRCh38, 1-based): chr1:15,873,083-15,873,088, TCCCCC deleted. VCF-style (leftmost placement, unchanged base first): chr1-15873082-GTCCCCC-G. GRCh37 (hg19) VCF-style: chr1-16199577-GTCCCCC-G.
Identifiers: ClinVar variation 3600284 (VCV003600284.1).